The following is an entry in ClinVar:

ClinVar aggregate classification (germline): Conflicting classifications of pathogenicity. Review status: criteria provided, conflicting classifications (1 of 4 stars). 4 submissions from 4 submitters: Uncertain significance (3); Likely benign (1). Last evaluated 2025-08-18.

Conditions:
Cardiovascular phenotype. Identifiers: MedGen CN230736.
Alstrom syndrome (ALMS). Identifiers: Orphanet 64, MedGen C0268425, MONDO:0008763, OMIM 203800.

Allele frequency attached by ClinVar (database versions not stated): ExAC 0.00001; gnomAD exomes 0.00002; gnomAD 0.00003; TOPMed 0.00004.
gnomAD v4.1: 72 of 1,613,898 alleles (0.0045%); highest among the groups gnomAD compares: Middle Eastern, 0.016%; no homozygotes.

Submissions (4):

Ambry Genetics
Classification: Likely benign for Cardiovascular phenotype. Last evaluated: 2025-08-18. Review status: criteria provided, single submitter. Criteria: Ambry Variant Classification Scheme 2023. Collection method: clinical testing. Allele origin: germline.

Labcorp Genetics (formerly Invitae), Labcorp
Classification: Uncertain significance for Alstrom syndrome. Last evaluated: 2022-06-27. Review status: criteria provided, single submitter. Criteria: Invitae Variant Classification Sherloc (09022015). Collection method: clinical testing. Allele origin: germline.
Comment: This sequence change replaces valine, which is neutral and non-polar, with alanine, which is neutral and non-polar, at codon 1971 of the ALMS1 protein (p.Val1971Ala). This variant is present in population databases (rs765405386, gnomAD 0.006%). This variant has not been reported in the literature in individuals affected with ALMS1-related conditions. ClinVar contains an entry for this variant (Variation ID: 1336066). Experimental studies and prediction algorithms are not available or were not evaluated, and the functional significance of this variant is currently unknown. In summary, the available evidence is currently insufficient to determine the role of this variant in disease. Therefore, it has been classified as a Variant of Uncertain Significance.

Fulgent Genetics
Classification: Uncertain significance for Alstrom syndrome. Last evaluated: 2022-04-25. Review status: criteria provided, single submitter. Criteria: ACMG Guidelines, 2015. Collection method: clinical testing. Allele origin: unknown.

Genetic Services Laboratory, University of Chicago
Classification: Uncertain significance. Last evaluated: 2018-07-06. Review status: criteria provided, single submitter. Criteria: ACMG Guidelines, 2015. Collection method: clinical testing. Allele origin: germline. Affected: no.

NM_001378454.1(ALMS1):c.5909T>C (p.Val1970Ala)

Gene: ALMS1 (ALMS1 centrosome and basal body associated protein; plus strand). Cytogenetic location: 2p13.1.
Variant type: single nucleotide variant.
Coding change: c.5909T>C on transcript NM_001378454.1 (MANE Select); coding-DNA position 5909, T replaced by C.
Protein change: p.Val1970Ala; replaces valine 1970 with alanine.
Molecular consequence: missense variant.
Genome position (GRCh38, 1-based): chr2:73,452,436, T>C. VCF-style: chr2-73452436-T-C. GRCh37 (hg19) VCF-style: chr2-73679563-T-C.
Other names: c.5912T>C, p.Val1971Ala (NM_015120.4); short protein forms V1970A, V1971A.
Identifiers: ClinVar variation 1336066 (VCV001336066.10), dbSNP rs765405386, ClinGen allele CA1713957.